The following is an entry in ClinVar:

NM_004958.4(MTOR):c.3944+4T>C

Gene: MTOR (mechanistic target of rapamycin kinase; minus strand). Cytogenetic location: 1p36.22.
Variant type: single nucleotide variant.
Coding change: c.3944+4T>C on transcript NM_004958.4 (MANE Select); 4 bases into the intron after coding-DNA position 3944, T replaced by C.
Molecular consequence: intron variant.
Genome position (GRCh38, 1-based): chr1:11,204,557, A>G on the plus strand (T>C on the coding strand, the complement: MTOR is on the minus strand). VCF-style: chr1-11204557-A-G. GRCh37 (hg19) VCF-style: chr1-11264614-A-G.
Identifiers: ClinVar variation 838588 (VCV000838588.10), dbSNP rs749330397, ClinGen allele CA590094.

ClinVar aggregate classification (germline): Uncertain significance (1 of 4 stars; one submission).

Allele frequency attached by ClinVar (database versions not stated): gnomAD exomes below 0.00001; ExAC 0.00001.
gnomAD v4.1: 2 of 1,613,818 alleles (0.00012%); highest among the groups gnomAD compares: South Asian, 0.0011%; no homozygotes.

Submission:

Labcorp Genetics (formerly Invitae), Labcorp
Classification: Uncertain significance. Last evaluated: 2019-12-30. Review status: criteria provided, single submitter. Criteria: Invitae Variant Classification Sherloc (09022015). Collection method: clinical testing. Allele origin: germline.
Comment: This variant has not been reported in the literature in individuals with MTOR-related conditions. Nucleotide substitutions within the consensus splice site are a relatively common cause of aberrant splicing (PMID: 17576681, 9536098). Algorithms developed to predict the effect of sequence changes on RNA splicing suggest that this variant is not likely to affect RNA splicing, but this prediction has not been confirmed by published transcriptional studies. In summary, the available evidence is currently insufficient to determine the role of this variant in disease. Therefore, it has been classified as a Variant of Uncertain Significance. This sequence change falls in intron 26 of the MTOR gene. It does not directly change the encoded amino acid sequence of the MTOR protein, but it affects a nucleotide within the consensus splice site of the intron. This variant is present in population databases (rs749330397, ExAC 0.006%).

Literature cited by the submitters: PubMed 17576681; PubMed 9536098.